The following is an entry in ClinVar:

ClinVar aggregate classification (germline): Pathogenic/Likely pathogenic. Review status: criteria provided, multiple submitters, no conflicts (2 of 4 stars). 2 submissions from 2 submitters: Pathogenic (1); Likely pathogenic (1). Last evaluated 2025-04-07.

Conditions:
CPE-related disorder. Also called: CPE-related condition.

Submissions (2):

PreventionGenetics, part of Exact Sciences
Classification: Likely pathogenic for CPE-related condition. Last evaluated: 2025-04-07. Review status: criteria provided, single submitter. Criteria: ACMG Guidelines, 2015. Collection method: clinical testing. Allele origin: germline.
Comment: The CPE c.768T>A variant is predicted to result in premature protein termination (p.Tyr256*). To our knowledge, this variant has not been reported in the literature or in a large population database, indicating this variant is rare. Nonsense variants in CPE are expected to be pathogenic. This variant is interpreted as likely pathogenic.

Labcorp Genetics (formerly Invitae), Labcorp
Classification: Pathogenic. Last evaluated: 2022-06-28. Review status: criteria provided, single submitter. Criteria: Invitae Variant Classification Sherloc (09022015). Collection method: clinical testing. Allele origin: germline.
Comment: This sequence change creates a premature translational stop signal (p.Tyr256*) in the CPE gene. It is expected to result in an absent or disrupted protein product. Loss-of-function variants in CPE are known to be pathogenic (PMID: 26120850). This variant is not present in population databases (gnomAD no frequency). This variant has not been reported in the literature in individuals affected with CPE-related conditions. For these reasons, this variant has been classified as Pathogenic.

Literature cited by the submitters: PubMed 26120850 (cited by Labcorp Genetics (formerly Invitae), Labcorp).

NM_001873.4(CPE):c.768T>A (p.Tyr256Ter)

Gene: CPE (carboxypeptidase E; plus strand). Cytogenetic location: 4q32.3.
Variant type: single nucleotide variant.
Coding change: c.768T>A on transcript NM_001873.4 (MANE Select); coding-DNA position 768, T replaced by A.
Protein change: p.Tyr256Ter; replaces tyrosine 256 with a stop codon.
Molecular consequence: nonsense.
Genome position (GRCh38, 1-based): chr4:165,482,337, T>A. VCF-style: chr4-165482337-T-A. GRCh37 (hg19) VCF-style: chr4-166403489-T-A.
Other names: c.768T>A (NM_001873.3); short protein forms Y256*.
Identifiers: ClinVar variation 2194543 (VCV002194543.2), dbSNP rs2478210424, ClinGen allele CA358685763.